The following is an entry in ClinVar:

ClinVar aggregate classification (germline): Uncertain significance. Review status: criteria provided, multiple submitters, no conflicts (2 of 4 stars). 2 submissions from 2 submitters: Uncertain significance (2). Last evaluated 2024-11-09.

Conditions:
ASIC5-related disorder. Also called: ASIC5-related condition.

Allele frequency attached by ClinVar (database versions not stated): gnomAD exomes 0.00001; ExAC 0.00002; ESP Exome Variant Server 0.00008; gnomAD 0.00009; TOPMed 0.00014; 1000 Genomes Project 30x 0.00016; 1000 Genomes Project 0.00020.
gnomAD v4.1: 24 of 1,613,786 alleles (0.0015%); highest among the groups gnomAD compares: African/African-American, 0.031%; no homozygotes.

Submissions (2):

PreventionGenetics, part of Exact Sciences
Classification: Uncertain significance for ASIC5-related condition. Last evaluated: 2024-11-09. Review status: criteria provided, single submitter. Criteria: ACMG Guidelines, 2015. Collection method: clinical testing. Allele origin: germline.
Comment: The ASIC5 c.92C>T variant is predicted to result in the amino acid substitution p.Pro31Leu. To our knowledge, this variant has not been reported in the literature. This variant is reported in 0.024% of alleles in individuals of African descent in gnomAD. At this time, the clinical significance of this variant is uncertain due to the absence of conclusive functional and genetic evidence.

Ambry Genetics
Classification: Uncertain significance. Last evaluated: 2024-01-03. Review status: criteria provided, single submitter. Criteria: Ambry Variant Classification Scheme 2023. Collection method: clinical testing. Allele origin: germline.

NM_017419.3(ASIC5):c.92C>T (p.Pro31Leu)

Gene: ASIC5 (acid sensing ion channel subunit family member 5; minus strand). Cytogenetic location: 4q32.1.
Variant type: single nucleotide variant.
Coding change: c.92C>T on transcript NM_017419.3 (MANE Select); coding-DNA position 92, C replaced by T.
Protein change: p.Pro31Leu; replaces proline 31 with leucine.
Molecular consequence: missense variant.
Genome position (GRCh38, 1-based): chr4:155,863,703, G>A on the plus strand (C>T on the coding strand, the complement: ASIC5 is on the minus strand). VCF-style: chr4-155863703-G-A. GRCh37 (hg19) VCF-style: chr4-156784855-G-A.
Other names: short protein forms P31L.
Identifiers: ClinVar variation 3130385 (VCV003130385.2), dbSNP rs149268529, ClinGen allele CA3118526.